The following is an entry in ClinVar:

ClinVar aggregate classification (germline): Benign/Likely benign. Review status: criteria provided, multiple submitters, no conflicts (2 of 4 stars). 3 submissions from 3 submitters: Benign (1); Likely benign (2). Last evaluated 2025-04-07.

Conditions:
Hereditary cancer-predisposing syndrome. Also called: Neoplastic Syndromes, Hereditary; Hereditary neoplastic syndrome; Tumor predisposition; Hereditary Cancer Syndrome. Identifiers: Orphanet 140162, MedGen C0027672, MeSH D009386, MONDO:0015356.
Tuberous sclerosis 1 (TSC1). Identifiers: Orphanet 805, MedGen C1854465, MONDO:0008612, OMIM 191100.

Submissions (3):

Myriad Genetics, Inc.
Classification: Benign for Tuberous sclerosis 1. Last evaluated: 2025-04-07. Review status: criteria provided, single submitter. Criteria: Myriad Autosomal Dominant, Autosomal Recessive and X-Linked Classification Criteria (2023). Collection method: clinical testing. Allele origin: unknown.
Comment: This variant is considered benign. This variant is a silent/synonymous amino acid change and it is not expected to impact splicing.

Labcorp Genetics (formerly Invitae), Labcorp
Classification: Likely benign for Tuberous sclerosis 1. Last evaluated: 2024-10-24. Review status: criteria provided, single submitter. Criteria: Invitae Variant Classification Sherloc (09022015). Collection method: clinical testing. Allele origin: germline.

Ambry Genetics
Classification: Likely benign for Hereditary cancer-predisposing syndrome. Last evaluated: 2023-06-30. Review status: criteria provided, single submitter. Criteria: Ambry Variant Classification Scheme 2023. Collection method: clinical testing. Allele origin: germline.

NM_000368.5(TSC1):c.180C>A (p.Ile60=)

Gene: TSC1 (TSC complex subunit 1; minus strand). Cytogenetic location: 9q34.13.
Variant type: single nucleotide variant.
Coding change: c.180C>A on transcript NM_000368.5 (MANE Select); coding-DNA position 180, C replaced by A.
Protein change: p.Ile60=; no amino-acid change (isoleucine 60 retained).
Molecular consequence: synonymous variant. On other transcripts: intron variant (1).
Genome position (GRCh38, 1-based): chr9:132,927,231, G>T on the plus strand (C>A on the coding strand, the complement: TSC1 is on the minus strand). VCF-style: chr9-132927231-G-T. GRCh37 (hg19) VCF-style: chr9-135802618-G-T.
Other names: c.180C>A, p.Ile60= (NM_001162426.2, NM_001162427.2); c.-153-1492C>A (NM_001362177.2).
Identifiers: ClinVar variation 792195 (VCV000792195.11), dbSNP rs1162060045, ClinGen allele CA467594266.
Genomic context (GRCh38, chr9:132,927,231, plus strand): 5'-ATGAAATGCCTATGATATTTCAGCCATTACCTTGTCATGTGGCTCTTGCAAGGTGGTCAG[G>T]ATGTGCAATGCCGGCTGAGAGCTGGTTTCCAGGTAATAATCCACCAAGGTGTTTACAAGC-3'
Protein context (NP_000359.1, residues 50-70): LETSSQPALH[Ile60=]LTTLQEPHDK